The following is an entry in ClinVar:

ClinVar aggregate classification (germline): Uncertain significance (1 of 4 stars; one submission).

Allele frequency attached by ClinVar (database versions not stated): gnomAD exomes below 0.00001; TOPMed below 0.00001.
gnomAD v4.1: 6 of 1,584,938 alleles (0.00038%); highest among the groups gnomAD compares: African/African-American, 0.0013%; no homozygotes.

Submission:

GeneDx
Classification: Uncertain significance. Last evaluated: 2019-12-04. Review status: criteria provided, single submitter. Criteria: GeneDx Variant Classification Process June 2021. Collection method: clinical testing. Allele origin: germline. Affected: yes.
Comment: Not observed at a significant frequency in large population cohorts (Lek et al., 2016); In silico analysis, which includes protein predictors and evolutionary conservation, supports a deleterious effect; Has not been previously published as pathogenic or benign to our knowledge

NM_000283.4(PDE6B):c.376C>T (p.Pro126Ser)

Gene: PDE6B (phosphodiesterase 6B; plus strand). Cytogenetic location: 4p16.3.
Variant type: single nucleotide variant.
Coding change: c.376C>T on transcript NM_000283.4 (MANE Select); coding-DNA position 376, C replaced by T.
Protein change: p.Pro126Ser; replaces proline 126 with serine.
Molecular consequence: missense variant.
Genome position (GRCh38, 1-based): chr4:626,002, C>T. VCF-style: chr4-626002-C-T. GRCh37 (hg19) VCF-style: chr4-619791-C-T.
Other names: c.376C>T, p.Pro126Ser (NM_001145291.2); short protein forms P126S.
Identifiers: ClinVar variation 1310454 (VCV001310454.2), dbSNP rs1200186277, ClinGen allele CA355907010.